The following is an entry in ClinVar:

ClinVar aggregate classification (germline): Likely pathogenic (1 of 4 stars; one submission).

Conditions:
USH2A-related disorder. Also called: USH2A-related condition; USH2A-related disorders. Identifiers: MedGen CN239332.

Submission:

Myriad Genetics, Inc.
Classification: Likely pathogenic for USH2A-related disorder. Last evaluated: 2026-05-12. Review status: criteria provided, single submitter. Criteria: Myriad Autosomal Dominant, Autosomal Recessive and X-Linked Classification Criteria (2023). Collection method: clinical testing. Allele origin: unknown.
Comment: NM_206933.2(USH2A):c.4628-2A>C is a variant in a canonical splice site classified as likely pathogenic in the context of USH2A-related disorders. c.4628-2A>C has not been observed in cases with relevant disease. Relevant functional assessments of this variant are not available in the literature. c.4628-2A>C has not been observed in referenced population frequency databases. In summary, NM_206933.2(USH2A):c.4628-2A>C is a variant in a canonical splice site in a gene where loss of function is a known mechanism of disease and is predicted to disrupt protein function. Please note: this variant was assessed in the context of healthy population screening.

NM_206933.4(USH2A):c.4628-2A>C

Gene: USH2A (usherin; minus strand). Cytogenetic location: 1q41.
Variant type: single nucleotide variant.
Coding change: c.4628-2A>C on transcript NM_206933.4 (MANE Select); the canonical splice acceptor site of the intron before coding-DNA position 4628, A replaced by C.
Molecular consequence: splice acceptor variant.
Genome position (GRCh38, 1-based): chr1:216,097,215, T>G on the plus strand (A>C on the coding strand, the complement: USH2A is on the minus strand). VCF-style: chr1-216097215-T-G. GRCh37 (hg19) VCF-style: chr1-216270557-T-G.
Identifiers: ClinVar variation 5004661 (VCV005004661.1).